The following is an entry in ClinVar:

NM_001013838.3(CARMIL2):c.2428-7_2432del

Gene: CARMIL2 (capping protein regulator and myosin 1 linker 2; plus strand). Cytogenetic location: 16q22.1.
Variant type: Deletion.
Coding change: c.2428-7_2432del on transcript NM_001013838.3 (MANE Select); 7 bases into the intron before coding-DNA position 2428 through coding-DNA position 2432, 12 bases deleted (TGTCTAGGACTT).
Molecular consequence: splice acceptor variant.
Genome position (GRCh38, 1-based): chr16:67,651,678-67,651,689, TGTCTAGGACTT deleted; deleting any 12 consecutive bases within chr16:67,651,675-67,651,689 gives the same sequence; the c. name uses the placement nearest the transcript's 3' end. VCF-style (leftmost placement, unchanged base first): chr16-67651674-CCTTTGTCTAGGA-C. GRCh37 (hg19) VCF-style: chr16-67685577-CCTTTGTCTAGGA-C.
Other names: c.2320-7_2324del (NM_001317026.3).
Identifiers: ClinVar variation 2836734 (VCV002836734.3), dbSNP rs2052725531, ClinGen allele CA2229436510.

ClinVar aggregate classification (germline): Likely pathogenic (1 of 4 stars; one submission).

Submission:

Labcorp Genetics (formerly Invitae), Labcorp
Classification: Likely pathogenic. Last evaluated: 2023-04-24. Review status: criteria provided, single submitter. Criteria: Invitae Variant Classification Sherloc (09022015). Collection method: clinical testing. Allele origin: germline.
Comment: In summary, the currently available evidence indicates that the variant is pathogenic, but additional data are needed to prove that conclusively. Therefore, this variant has been classified as Likely Pathogenic. Algorithms developed to predict the effect of sequence changes on RNA splicing suggest that this variant may disrupt the consensus splice site. This variant has not been reported in the literature in individuals affected with CARMIL2-related conditions. This variant is not present in population databases (gnomAD no frequency). This variant results in the deletion of part of exon 25 (c.2428-7_2432del) of the CARMIL2 gene. It is expected to disrupt RNA splicing. Variants that disrupt the donor or acceptor splice site typically lead to a loss of protein function (PMID: 16199547), and loss-of-function variants in CARMIL2 are known to be pathogenic (PMID: 27647349, 28112205).

Literature cited by the submitters: PubMed 16199547; PubMed 27647349; PubMed 28112205.